The following is an entry in ClinVar:

NM_006015.6(ARID1A):c.974C>G (p.Ala325Gly)

Genes: ARID1A (AT-rich interaction domain 1A; plus strand), LOC129929837 (ATAC-STARR-seq lymphoblastoid silent region 489; plus strand). Cytogenetic location: 1p36.11.
Variant type: single nucleotide variant.
Coding change: c.974C>G on transcript NM_006015.6 (MANE Select); coding-DNA position 974, C replaced by G.
Protein change: p.Ala325Gly; replaces alanine 325 with glycine.
Molecular consequence: missense variant.
Genome position (GRCh38, 1-based): chr1:26,697,377, C>G. VCF-style: chr1-26697377-C-G. GRCh37 (hg19) VCF-style: chr1-27023868-C-G.
Other names: c.974C>G, p.Ala325Gly (NM_139135.4); short protein forms A325G.
Identifiers: ClinVar variation 3667644 (VCV003667644.3).

ClinVar aggregate classification (germline): Uncertain significance. Review status: criteria provided, multiple submitters, no conflicts (2 of 4 stars). 2 submissions from 2 submitters: Uncertain significance (2). Last evaluated 2025-06-06.

Conditions:
Inborn genetic diseases. Identifiers: MedGen C0950123, MeSH D030342.

gnomAD v4.1: 1 of 1,315,772 alleles (0.000076%); highest among the groups gnomAD compares: African/African-American, 0.0015%; no homozygotes.

Submissions (2):

Ambry Genetics
Classification: Uncertain significance for Inborn genetic diseases. Last evaluated: 2025-06-06. Review status: criteria provided, single submitter. Criteria: Ambry Variant Classification Scheme 2023. Collection method: clinical testing. Allele origin: germline.

Labcorp Genetics (formerly Invitae), Labcorp
Classification: Uncertain significance. Last evaluated: 2024-03-17. Review status: criteria provided, single submitter. Criteria: Invitae Variant Classification Sherloc (09022015). Collection method: clinical testing. Allele origin: germline.
Comment: This sequence change replaces alanine, which is neutral and non-polar, with glycine, which is neutral and non-polar, at codon 325 of the ARID1A protein (p.Ala325Gly). This variant is not present in population databases (gnomAD no frequency). This variant has not been reported in the literature in individuals affected with ARID1A-related conditions. Advanced modeling of protein sequence and biophysical properties (such as structural, functional, and spatial information, amino acid conservation, physicochemical variation, residue mobility, and thermodynamic stability) performed at Invitae indicates that this missense variant is not expected to disrupt ARID1A protein function with a negative predictive value of 95%. In summary, the available evidence is currently insufficient to determine the role of this variant in disease. Therefore, it has been classified as a Variant of Uncertain Significance.